The following is an entry in ClinVar:

ClinVar aggregate classification (germline): Likely benign. Review status: criteria provided, multiple submitters, no conflicts (2 of 4 stars). 2 submissions from 2 submitters: Likely benign (2). Last evaluated 2026-05-04.

Conditions:
CDHR1-related disorder. Also called: CDHR1-related condition.

gnomAD v4.1: 46 of 1,551,404 alleles (0.003%); highest among the groups gnomAD compares: South Asian, 0.02%; no homozygotes.

Submissions (2):

PreventionGenetics, part of Exact Sciences
Classification: Likely benign for CDHR1-related condition. Last evaluated: 2026-05-04. Review status: criteria provided, single submitter. Criteria: ACMG Guidelines, 2015. Collection method: clinical testing. Allele origin: germline.
Comment: This variant is classified as likely benign based on ACMG/AMP sequence variant interpretation guidelines (Richards et al. 2015 PMID: 25741868, with internal and published modifications).

Labcorp Genetics (formerly Invitae), Labcorp
Classification: Likely benign. Last evaluated: 2025-06-10. Review status: criteria provided, single submitter. Criteria: Invitae Variant Classification Sherloc (09022015). Collection method: clinical testing. Allele origin: germline.

NM_033100.4(CDHR1):c.396G>A (p.Ala132=)

Gene: CDHR1 (cadherin related family member 1; plus strand). Cytogenetic location: 10q23.1.
Variant type: single nucleotide variant.
Coding change: c.396G>A on transcript NM_033100.4 (MANE Select); coding-DNA position 396, G replaced by A.
Protein change: p.Ala132=; no amino-acid change (alanine 132 retained).
Molecular consequence: synonymous variant.
Genome position (GRCh38, 1-based): chr10:84,199,079, G>A. VCF-style: chr10-84199079-G-A. GRCh37 (hg19) VCF-style: chr10-85958835-G-A.
Other names: c.396G>A (NM_033100.3); c.396G>A, p.Ala132= (NM_001171971.3).
Identifiers: ClinVar variation 1154801 (VCV001154801.10), dbSNP rs528516588, ClinGen allele CA210378916.